The following is an entry in ClinVar:

NM_000038.6(APC):c.6047A>T (p.Asp2016Val)

Gene: APC (APC regulator of Wnt signaling pathway; plus strand). Cytogenetic location: 5q22.2.
Variant type: single nucleotide variant.
Coding change: c.6047A>T on transcript NM_000038.6 (MANE Select); coding-DNA position 6047, A replaced by T.
Protein change: p.Asp2016Val; replaces aspartic acid 2016 with valine.
Molecular consequence: missense variant.
Genome position (GRCh38, 1-based): chr5:112,841,641, A>T. VCF-style: chr5-112841641-A-T. GRCh37 (hg19) VCF-style: chr5-112177338-A-T.
Other names: c.6047A>T, p.Asp2016Val (NM_001127510.3, NM_001354895.2); c.5993A>T, p.Asp1998Val (NM_001127511.3); c.6101A>T, p.Asp2034Val (NM_001354896.2); c.6077A>T, p.Asp2026Val (NM_001354897.2); c.5972A>T, p.Asp1991Val (NM_001354898.2); c.5963A>T, p.Asp1988Val (NM_001354899.2); c.5924A>T, p.Asp1975Val (NM_001354900.2); c.5870A>T, p.Asp1957Val (NM_001354901.2); and 5 more; short protein forms D1890V, D1991V, D2034V, D1856V, D1925V, D1957V, D1988V, D1915V.
Identifiers: ClinVar variation 1035285 (VCV001035285.13), dbSNP rs1554087168, ClinGen allele CA16034565.
Genomic context (GRCh38, chr5:112,841,641, plus strand): 5'-AGGGAGAACCAAGTAAACCTCAAGCATCAGGCTATGCTCCTAAATCATTTCATGTTGAAG[A>T]TACCCCAGTTTGTTTCTCAAGAAACAGTTCTCTCAGTTCTCTTAGTATTGACTCTGAAGA-3'
Protein context (NP_000029.2, residues 2006-2026): GYAPKSFHVE[Asp2016Val]TPVCFSRNSS

ClinVar aggregate classification (germline): Uncertain significance. Review status: criteria provided, multiple submitters, no conflicts (2 of 4 stars). 3 submissions from 3 submitters: Uncertain significance (3). Last evaluated 2024-11-26.

Conditions:
Hereditary cancer-predisposing syndrome. Also called: Hereditary neoplastic syndrome; Neoplastic Syndromes, Hereditary; Tumor predisposition; Hereditary Cancer Syndrome. Identifiers: Orphanet 140162, MedGen C0027672, MeSH D009386, MONDO:0015356.
Familial adenomatous polyposis 1 (FAP1). Also called: FAMILIAL ADENOMATOUS POLYPOSIS 1, ATTENUATED; POLYPOSIS, ADENOMATOUS INTESTINAL. Identifiers: MedGen C2713442, MONDO:0021056, OMIM 175100. Disease mechanism: loss of function.

Submissions (3):

Labcorp Genetics (formerly Invitae), Labcorp
Classification: Uncertain significance for Familial adenomatous polyposis 1. Last evaluated: 2024-11-26. Review status: criteria provided, single submitter. Criteria: Invitae Variant Classification Sherloc (09022015). Collection method: clinical testing. Allele origin: germline.
Comment: This sequence change replaces aspartic acid, which is acidic and polar, with valine, which is neutral and non-polar, at codon 2016 of the APC protein (p.Asp2016Val). This variant is not present in population databases (gnomAD no frequency). This variant has not been reported in the literature in individuals affected with APC-related conditions. ClinVar contains an entry for this variant (Variation ID: 1035285). Invitae Evidence Modeling of protein sequence and biophysical properties (such as structural, functional, and spatial information, amino acid conservation, physicochemical variation, residue mobility, and thermodynamic stability) indicates that this missense variant is not expected to disrupt APC protein function with a negative predictive value of 95%. In summary, the available evidence is currently insufficient to determine the role of this variant in disease. Therefore, it has been classified as a Variant of Uncertain Significance.

Color Diagnostics, LLC DBA Color Health
Classification: Uncertain significance for Hereditary cancer-predisposing syndrome. Last evaluated: 2024-03-06. Review status: criteria provided, single submitter. Criteria: ACMG Guidelines, 2015. Collection method: clinical testing. Allele origin: germline.
Comment: This missense variant replaces aspartic acid with valine at codon 2016 of the APC protein. Computational prediction suggests that this variant may have deleterious impact on protein structure and function (internally defined REVEL score threshold >= 0.7, PMID: 27666373). To our knowledge, functional studies have not been reported for this variant. This variant has not been reported in individuals affected with APC-related disorders in the literature. This variant has not been identified in the general population by the Genome Aggregation Database (gnomAD). The available evidence is insufficient to determine the role of this variant in disease conclusively. Therefore, this variant is classified as a Variant of Uncertain Significance.

Women's Health and Genetics/Laboratory Corporation of America, LabCorp
Classification: Uncertain significance. Last evaluated: 2022-03-16. Review status: criteria provided, single submitter. Criteria: LabCorp Variant Classification Summary - May 2015. Collection method: clinical testing. Allele origin: germline.
Comment: Variant summary: APC c.6047A>T (p.Asp2016Val) results in a non-conservative amino acid change in the last exon of the encoded protein sequence. Five of five in-silico tools predict a damaging effect of the variant on protein function. The variant was absent in 250202 control chromosomes (gnomAD). The available data on variant occurrences in the general population are insufficient to allow any conclusion about variant significance. To our knowledge, no occurrence of c.6047A>T in individuals affected with Familial Adenomatous Polyposis and no experimental evidence demonstrating its impact on protein function have been reported. One clinical diagnostic laboratory has submitted clinical-significance assessments for this variant to ClinVar after 2014 and classified the variant as uncertain significance. Based on the evidence outlined above, the variant was classified as uncertain significance.